The following is an entry in ClinVar:

NM_001024630.4(RUNX2):c.388T>A (p.Trp130Arg)

Gene: RUNX2 (RUNX family transcription factor 2; plus strand). Cytogenetic location: 6p21.1.
Variant type: single nucleotide variant.
Coding change: c.388T>A on transcript NM_001024630.4 (MANE Select); coding-DNA position 388, T replaced by A.
Protein change: p.Trp130Arg; replaces tryptophan 130 with arginine.
Molecular consequence: missense variant.
Genome position (GRCh38, 1-based): chr6:45,422,922, T>A. VCF-style: chr6-45422922-T-A. GRCh37 (hg19) VCF-style: chr6-45390659-T-A.
Other names: c.388T>A, p.Trp130Arg (NM_001015051.4); c.346T>A, p.Trp116Arg (NM_001278478.2, NM_001369405.1, NM_004348.3); short protein forms W130R, W116R.
Identifiers: ClinVar variation 2734876 (VCV002734876.3), dbSNP rs2150362649, ClinGen allele CA363958650.
Genomic context (GRCh38, chr6:45,422,922, plus strand): 5'-CCGGCCGAACTCGTCCGCACCGACAGCCCCAACTTCCTGTGCTCGGTGCTGCCCTCGCAC[T>A]GGCGCTGCAACAAGACCCTGCCCGTGGCCTTCAAGGTAAGAGGCTACACCGCCCCCCGCC-3'
Protein context (NP_001019801.3, residues 120-140): NFLCSVLPSH[Trp130Arg]RCNKTLPVAF

ClinVar aggregate classification (germline): Pathogenic (1 of 4 stars; one submission).

Submission:

Labcorp Genetics (formerly Invitae), Labcorp
Classification: Pathogenic. Last evaluated: 2023-01-09. Review status: criteria provided, single submitter. Criteria: Invitae Variant Classification Sherloc (09022015). Collection method: clinical testing. Allele origin: germline.
Comment: For these reasons, this variant has been classified as Pathogenic. Advanced modeling of protein sequence and biophysical properties (such as structural, functional, and spatial information, amino acid conservation, physicochemical variation, residue mobility, and thermodynamic stability) performed at Invitae indicates that this missense variant is expected to disrupt RUNX2 protein function. This variant is also known as c.346T>A, p.W116R. This missense change has been observed in individual(s) with clinical features of cleidocranial dysplasia (PMID: 20376792; Invitae). In at least one individual the variant was observed to be de novo. This variant is not present in population databases (gnomAD no frequency). This sequence change replaces tryptophan, which is neutral and slightly polar, with arginine, which is basic and polar, at codon 130 of the RUNX2 protein (p.Trp130Arg).

Literature cited by the submitters: PubMed 20376792.